The following is an entry in ClinVar:

NM_181712.5(KANK4):c.2147C>A (p.Ala716Asp)

Gene: KANK4 (KN motif and ankyrin repeat domains 4; minus strand). Cytogenetic location: 1p31.3.
Variant type: single nucleotide variant.
Coding change: c.2147C>A on transcript NM_181712.5 (MANE Select); coding-DNA position 2147, C replaced by A.
Protein change: p.Ala716Asp; replaces alanine 716 with aspartic acid.
Molecular consequence: missense variant.
Genome position (GRCh38, 1-based): chr1:62,268,371, G>T on the plus strand (C>A on the coding strand, the complement: KANK4 is on the minus strand). VCF-style: chr1-62268371-G-T. GRCh37 (hg19) VCF-style: chr1-62734043-G-T.
Other names: c.263C>A, p.Ala88Asp (NM_001320269.2); short protein forms A716D, A88D.
Identifiers: ClinVar variation 2414180 (VCV002414180.6), dbSNP rs759268050, ClinGen allele CA884202.

ClinVar aggregate classification (germline): Uncertain significance (1 of 4 stars; one submission).

Allele frequency attached by ClinVar (database versions not stated): TOPMed below 0.00001; gnomAD 0.00001; gnomAD exomes 0.00001; ExAC 0.00002.
gnomAD v4.1: 14 of 1,613,918 alleles (0.00087%); highest among the groups gnomAD compares: Middle Eastern, 0.016%; no homozygotes.

Submission:

Labcorp Genetics (formerly Invitae), Labcorp
Classification: Uncertain significance. Last evaluated: 2022-02-08. Review status: criteria provided, single submitter. Criteria: Invitae Variant Classification Sherloc (09022015). Collection method: clinical testing. Allele origin: germline.
Comment: This sequence change replaces alanine, which is neutral and non-polar, with aspartic acid, which is acidic and polar, at codon 716 of the KANK4 protein (p.Ala716Asp). This variant is present in population databases (rs759268050, gnomAD 0.007%). This variant has not been reported in the literature in individuals affected with KANK4-related conditions. Algorithms developed to predict the effect of missense changes on protein structure and function (SIFT, PolyPhen-2, Align-GVGD) all suggest that this variant is likely to be tolerated. In summary, the available evidence is currently insufficient to determine the role of this variant in disease. Therefore, it has been classified as a Variant of Uncertain Significance.